The following is an entry in ClinVar:

ClinVar aggregate classification (germline): Likely benign. Review status: criteria provided, single submitter (1 of 4 stars). 2 submissions from 2 submitters: Likely benign (1). 1 of the submissions does not count toward it. Last evaluated 2025-11-22.

Conditions:
MCPH1-related disorder. Also called: MCPH1-related condition.

Allele frequency attached by ClinVar (database versions not stated): 1000 Genomes Project 30x 0.00016.
gnomAD v4.1: 3 of 1,614,036 alleles (0.00019%); highest among the groups gnomAD compares: East Asian, 0.0067%; no homozygotes.

Submissions (2):

Labcorp Genetics (formerly Invitae), Labcorp
Classification: Likely benign. Last evaluated: 2025-11-22. Review status: criteria provided, single submitter. Criteria: Invitae Variant Classification Sherloc (09022015). Collection method: clinical testing. Allele origin: germline.

PreventionGenetics, part of Exact Sciences
Classification: Likely benign for MCPH1-related condition. Last evaluated: 2021-12-09. Review status: no assertion criteria provided. Collection method: clinical testing. Allele origin: germline. Not counted in ClinVar's aggregate classification.
Comment: This variant is classified as likely benign based on ACMG/AMP sequence variant interpretation guidelines (Richards et al. 2015 PMID: 25741868, with internal and published modifications).

NM_024596.5(MCPH1):c.1974-10G>C

Gene: MCPH1 (microcephalin 1; plus strand). Cytogenetic location: 8p23.1.
Variant type: single nucleotide variant.
Coding change: c.1974-10G>C on transcript NM_024596.5 (MANE Select); 10 bases into the intron before coding-DNA position 1974, G replaced by C.
Molecular consequence: intron variant. On other transcripts: genic downstream transcript variant (1).
Genome position (GRCh38, 1-based): chr8:6,480,704, G>C. VCF-style: chr8-6480704-G-C. GRCh37 (hg19) VCF-style: chr8-6338225-G-C.
Other names: c.1974-10G>C (NM_001322042.1, NM_001322042.2, NM_001363979.1 and 2 more transcripts); c.1935+25452G>C (NM_001363980.2).
Identifiers: ClinVar variation 2956065 (VCV002956065.5), dbSNP rs762333683, ClinGen allele CA4610770.
Genomic context (GRCh38, chr8:6,480,704, plus strand): 5'-AGTGTAACTGCTTTGATGGGCATGTGCAACAAAGTCATTCATTTTGTTAATTTTTCCCCC[G>C]ATTTGACAGAAAGCAGAATGTCGTCATCCAGGTTGTGGATAAATTGAAAGGCTTTTCAAT-3'